The following is an entry in ClinVar:

ClinVar aggregate classification (germline): Benign/Likely benign. Review status: criteria provided, multiple submitters, no conflicts (2 of 4 stars). 6 submissions from 6 submitters: Benign (1); Likely benign (5). Last evaluated 2026-08-01.

Conditions:
Left ventricular noncompaction 1 (LVNC1). Also called: LEFT VENTRICULAR NONCOMPACTION 1 WITH OR WITHOUT CONGENITAL HEART DEFECTS. Identifiers: Orphanet 54260, MedGen C1858725, MONDO:0011403, OMIM 604169.

Allele frequency attached by ClinVar (database versions not stated): TOPMed 0.00012; ExAC 0.00015; gnomAD 0.00016; gnomAD exomes 0.00018 and 0.00016.
gnomAD v4.1: 281 of 1,614,024 alleles (0.017%); highest among the groups gnomAD compares: Non-Finnish European, 0.022%; no homozygotes.

Submissions (6):

CeGaT Center for Human Genetics Tuebingen
Classification: Likely benign. Last evaluated: 2026-08-01. Review status: criteria provided, single submitter. Criteria: CeGaT Center For Human Genetics Tuebingen Variant Classification Criteria Version 2. Collection method: clinical testing. Allele origin: germline. Affected: yes. Observed: 5 variant alleles.
Comment: DTNA: BP4, BP7

Labcorp Genetics (formerly Invitae), Labcorp
Classification: Likely benign for Left ventricular noncompaction 1. Last evaluated: 2025-11-09. Review status: criteria provided, single submitter. Criteria: Invitae Variant Classification Sherloc (09022015). Collection method: clinical testing. Allele origin: germline.

Blueprint Genetics
Classification: Likely benign. Last evaluated: 2024-11-07. Review status: criteria provided, single submitter. Criteria: ACMG Guidelines, 2015. Collection method: clinical testing. Allele origin: germline.

GeneDx
Classification: Likely benign. Last evaluated: 2019-06-06. Review status: criteria provided, single submitter. Criteria: GeneDx Variant Classification Process June 2021. Collection method: clinical testing. Allele origin: germline. Affected: yes.

Women's Health and Genetics/Laboratory Corporation of America, LabCorp
Classification: Benign. Last evaluated: 2018-09-04. Review status: criteria provided, single submitter. Criteria: LabCorp Variant Classification Summary - May 2015. Collection method: clinical testing. Allele origin: germline.
Comment: Variant summary: DTNA c.1404G>A alters a non-conserved nucleotide resulting in a synonymous change. 5/5 computational tools predict no significant impact on normal splicing. However, these predictions have yet to be confirmed by functional studies. The variant allele was found at a frequency of 0.00019 in 276962 control chromosomes, predominantly at a frequency of 0.00037 within the Non-Finnish European subpopulation in the gnomAD database, including 1 homozygotes. The observed variant frequency within Non-Finnish European control individuals in the gnomAD database is approximately 15 fold of the estimated maximal expected allele frequency for a pathogenic variant in DTNA causing Cardiomyopathy phenotype (2.5e-05), strongly suggesting that the variant is a benign polymorphism found primarily in populations of Non-Finnish European origin. Two clinical diagnostic laboratories have submitted clinical-significance assessments for this variant to ClinVar after 2014 without evidence for independent evaluation. All laboratories classified the variant as benign/likely benign. Based on the evidence outlined above, the variant was classified as benign.

Laboratory for Molecular Medicine, Mass General Brigham Personalized Medicine
Classification: Likely benign. Last evaluated: 2012-07-25. Review status: criteria provided, single submitter. Criteria: LMM Criteria. Collection method: clinical testing. Allele origin: germline. Observed: 2 variant alleles.
Comment: Ala411Ala in exon 14 of DTNA: This variant is not expected to have clinical sign ificance because it does not alter an amino acid residue and is not located with in the splice consensus sequence. Ala411Ala in exon 14 of DTNA (allele frequen cy=n/a)

NM_001386795.1(DTNA):c.1485G>A (p.Ala495=)

Gene: DTNA (dystrobrevin alpha; plus strand). Cytogenetic location: 18q12.1.
Variant type: single nucleotide variant.
Coding change: c.1485G>A on transcript NM_001386795.1 (MANE Select); coding-DNA position 1485, G replaced by A.
Protein change: p.Ala495=; no amino-acid change (alanine 495 retained).
Molecular consequence: synonymous variant.
Genome position (GRCh38, 1-based): chr18:34,851,881, G>A. VCF-style: chr18-34851881-G-A. GRCh37 (hg19) VCF-style: chr18-32431845-G-A.
Other names: p.Ala411Ala; c.1233G>A, p.Ala411= (NM_032979.5, NM_001386761.1, NM_032975.4); c.348G>A, p.Ala116= (NM_032980.4); c.270G>A, p.Ala90= (NM_032981.5); c.1224G>A, p.Ala408= (NM_001198938.2, NM_001198939.2, NM_001198940.2 and 9 more transcripts); c.531G>A, p.Ala177= (NM_001198942.1); c.474G>A, p.Ala158= (NM_001198943.1); c.360G>A, p.Ala120= (NM_001198944.1); and 8 more.
Identifiers: ClinVar variation 46413 (VCV000046413.44), dbSNP rs397517443, ClinGen allele CA138291.